The following is an entry in ClinVar:

ClinVar aggregate classification (germline): Uncertain significance (1 of 4 stars; one submission).

Submission:

GeneDx
Classification: Uncertain significance. Last evaluated: 2024-02-06. Review status: criteria provided, single submitter. Criteria: GeneDx Variant Classification Process June 2021. Collection method: clinical testing. Allele origin: germline. Affected: yes.
Comment: Not observed at significant frequency in large population cohorts (gnomAD); In silico analysis supports that this missense variant has a deleterious effect on protein structure/function; Has not been previously published as pathogenic or benign to our knowledge

NM_024496.4(IRF2BPL):c.1448G>T (p.Arg483Leu)

Gene: IRF2BPL (interferon regulatory factor 2 binding protein like; minus strand). Cytogenetic location: 14q24.3.
Variant type: single nucleotide variant.
Coding change: c.1448G>T on transcript NM_024496.4 (MANE Select); coding-DNA position 1448, G replaced by T.
Protein change: p.Arg483Leu; replaces arginine 483 with leucine.
Molecular consequence: missense variant.
Genome position (GRCh38, 1-based): chr14:77,026,345, C>A on the plus strand (G>T on the coding strand, the complement: IRF2BPL is on the minus strand). VCF-style: chr14-77026345-C-A. GRCh37 (hg19) VCF-style: chr14-77492688-C-A.
Other names: short protein forms R483L.
Identifiers: ClinVar variation 3368765 (VCV003368765.1).